The following is an entry in ClinVar:

ClinVar aggregate classification (germline): Uncertain significance (1 of 4 stars; one submission).

Submission:

Labcorp Genetics (formerly Invitae), Labcorp
Classification: Uncertain significance. Last evaluated: 2025-05-18. Review status: criteria provided, single submitter. Criteria: Invitae Variant Classification Sherloc (09022015). Collection method: clinical testing. Allele origin: germline.
Comment: This sequence change affects codon 42 of the IL17RD mRNA. It is a 'silent' change, meaning that it does not change the encoded amino acid sequence of the IL17RD protein. This variant also falls at the last nucleotide of exon 1, which is part of the consensus splice site for this exon. This variant is not present in population databases (gnomAD no frequency). This variant has not been reported in the literature in individuals affected with IL17RD-related conditions. Variants that disrupt the consensus splice site are a relatively common cause of aberrant splicing (PMID: 17576681, 9536098). Algorithms developed to predict the effect of sequence changes on RNA splicing suggest that this variant may disrupt the consensus splice site. In summary, the available evidence is currently insufficient to determine the role of this variant in disease. Therefore, it has been classified as a Variant of Uncertain Significance.

Literature cited by the submitters: PubMed 17576681; PubMed 9536098.

NM_017563.5(IL17RD):c.126G>A (p.Arg42=)

Genes: IL17RD (interleukin 17 receptor D; minus strand), LOC129936924 (ATAC-STARR-seq lymphoblastoid silent region 14478; plus strand). Cytogenetic location: 3p14.3.
Variant type: single nucleotide variant.
Coding change: c.126G>A on transcript NM_017563.5 (MANE Select); coding-DNA position 126, G replaced by A.
Protein change: p.Arg42=; no amino-acid change (arginine 42 retained).
Molecular consequence: synonymous variant. On other transcripts: intron variant (1).
Genome position (GRCh38, 1-based): chr3:57,165,161, C>T on the plus strand (G>A on the coding strand, the complement: IL17RD is on the minus strand). VCF-style: chr3-57165161-C-T. GRCh37 (hg19) VCF-style: chr3-57199189-C-T.
Other names: c.-307+4071G>A (NM_001318864.2).
Identifiers: ClinVar variation 4719234 (VCV004719234.1).
Genomic context (GRCh38, chr3:57,165,161, plus strand): 5'-TGTGCGCGCTGCGTCCCCCGCGAGTTGGCGACGGCAAGAAACCCGCCGCCCTCGCCTTAC[C>T]CTCCAGCCACAGGTGTCGGCGCCCCGCGCGCGGCCGGACCCGCCAGCGGCCACAGCCAGC-3'
Protein context (NP_060033.3, residues 32-52): RARGADTCGW[Arg42=]GVGPASRNSG